The following is an entry in ClinVar:

NM_001032386.2(SUOX):c.699C>T (p.His233=)

Gene: SUOX (sulfite oxidase; plus strand). Cytogenetic location: 12q13.2.
Variant type: single nucleotide variant.
Coding change: c.699C>T on transcript NM_001032386.2 (MANE Select); coding-DNA position 699, C replaced by T.
Protein change: p.His233=; no amino-acid change (histidine 233 retained).
Molecular consequence: synonymous variant.
Genome position (GRCh38, 1-based): chr12:56,004,088, C>T. VCF-style: chr12-56004088-C-T. GRCh37 (hg19) VCF-style: chr12-56397872-C-T.
Other names: c.699C>T, p.His233= (NM_000456.3, NM_001032387.2); c.699C>T (NM_000456.2).
Identifiers: ClinVar variation 1094366 (VCV001094366.13), dbSNP rs572066838, ClinGen allele CA6621028.
Genomic context (GRCh38, chr12:56,004,088, plus strand): 5'-CTTCTTCACCCGGAACCATCTGCCTGTACCTAACCTGGATCCAGACACCTATCGCTTACA[C>T]GTAGTAGGAGCACCTGGGGGTCAGTCACTGTCTCTTTCCCTGGATGACTTGCACAACTTT-3'
Protein context (NP_001027558.1, residues 223-243): PNLDPDTYRL[His233=]VVGAPGGQSL

ClinVar aggregate classification (germline): Likely benign. Review status: criteria provided, multiple submitters, no conflicts (2 of 4 stars). 3 submissions from 3 submitters: Likely benign (2). 1 of the submissions does not count toward it. Last evaluated 2025-12-31.

Conditions:
SUOX-related disorder. Also called: SUOX-related condition.
Sulfite oxidase deficiency. Also called: Isolated sulfite oxidase deficiency. Identifiers: Orphanet 833, Orphanet 99731, MedGen C0268624, MONDO:0010089, OMIM 272300, HP:0003643.

gnomAD v4.1: 39 of 1,614,058 alleles (0.0024%); highest among the groups gnomAD compares: Admixed American, 0.05%; no homozygotes.

Submissions (3):

Labcorp Genetics (formerly Invitae), Labcorp
Classification: Likely benign for Sulfite oxidase deficiency. Last evaluated: 2025-12-31. Review status: criteria provided, single submitter. Criteria: Invitae Variant Classification Sherloc (09022015). Collection method: clinical testing. Allele origin: germline.

Blueprint Genetics
Classification: Likely benign. Last evaluated: 2020-02-06. Review status: criteria provided, single submitter. Criteria: ACMG Guidelines, 2015. Collection method: clinical testing. Allele origin: germline.

PreventionGenetics, part of Exact Sciences
Classification: Likely benign for SUOX-related condition. Last evaluated: 2019-04-17. Review status: no assertion criteria provided. Collection method: clinical testing. Allele origin: germline. Not counted in ClinVar's aggregate classification.
Comment: This variant is classified as likely benign based on ACMG/AMP sequence variant interpretation guidelines (Richards et al. 2015 PMID: 25741868, with internal and published modifications).